The following is an entry in ClinVar:

NM_002336.3(LRP6):c.3310C>T (p.Pro1104Ser)

Gene: LRP6 (LDL receptor related protein 6; minus strand). Cytogenetic location: 12p13.2.
Variant type: single nucleotide variant.
Coding change: c.3310C>T on transcript NM_002336.3 (MANE Select); coding-DNA position 3310, C replaced by T.
Protein change: p.Pro1104Ser; replaces proline 1104 with serine.
Molecular consequence: missense variant.
Genome position (GRCh38, 1-based): chr12:12,147,453, G>A on the plus strand (C>T on the coding strand, the complement: LRP6 is on the minus strand). VCF-style: chr12-12147453-G-A. GRCh37 (hg19) VCF-style: chr12-12300387-G-A.
Other names: c.2857C>T, p.Pro953Ser (NM_001414254.1, NM_001414252.1, NM_001414253.1); c.2803C>T, p.Pro935Ser (NM_001414255.1); c.3310C>T, p.Pro1104Ser (NM_001414244.1, NM_001414245.1, NM_001414246.1 and 4 more transcripts); c.3112C>T, p.Pro1038Ser (NM_001414247.1); short protein forms P1104S, P1038S, P953S, P935S.
Identifiers: ClinVar variation 2338349 (VCV002338349.5), dbSNP rs771350940, ClinGen allele CA6455277.

ClinVar aggregate classification (germline): Uncertain significance. Review status: criteria provided, multiple submitters, no conflicts (2 of 4 stars). 2 submissions from 2 submitters: Uncertain significance (2). Last evaluated 2023-09-10.

Conditions:
Inborn genetic diseases. Identifiers: MedGen C0950123, MeSH D030342.

Allele frequency attached by ClinVar (database versions not stated): ExAC 0.00001; TOPMed 0.00001; gnomAD 0.00002.
gnomAD v4.1: 85 of 1,613,930 alleles (0.0053%); highest among the groups gnomAD compares: Non-Finnish European, 0.007%; no homozygotes.

Submissions (2):

Labcorp Genetics (formerly Invitae), Labcorp
Classification: Uncertain significance. Last evaluated: 2023-09-10. Review status: criteria provided, single submitter. Criteria: Invitae Variant Classification Sherloc (09022015). Collection method: clinical testing. Allele origin: germline.
Comment: Experimental studies are conflicting or provide insufficient evidence to determine the effect of this variant on LRP6 function (PMID: 33391533). Advanced modeling of protein sequence and biophysical properties (such as structural, functional, and spatial information, amino acid conservation, physicochemical variation, residue mobility, and thermodynamic stability) performed at Invitae indicates that this missense variant is not expected to disrupt LRP6 protein function. ClinVar contains an entry for this variant (Variation ID: 2338349). This missense change has been observed in individual(s) with dilated cardiomyopathy (PMID: 33391533). This variant is present in population databases (rs771350940, gnomAD 0.0009%). This sequence change replaces proline, which is neutral and non-polar, with serine, which is neutral and polar, at codon 1104 of the LRP6 protein (p.Pro1104Ser). In summary, the available evidence is currently insufficient to determine the role of this variant in disease. Therefore, it has been classified as a Variant of Uncertain Significance.

Ambry Genetics
Classification: Uncertain significance for Inborn genetic diseases. Last evaluated: 2022-12-21. Review status: criteria provided, single submitter. Criteria: Ambry Variant Classification Scheme 2023. Collection method: clinical testing. Allele origin: germline.

Literature cited by the submitters: PubMed 33391533 (cited by Labcorp Genetics (formerly Invitae), Labcorp).